The following is an entry in ClinVar:

ClinVar aggregate classification (germline): Benign/Likely benign. Review status: criteria provided, multiple submitters, no conflicts (2 of 4 stars). 11 submissions from 11 submitters: Benign (3); Likely benign (8). Last evaluated 2026-07-01.

Conditions:
Autoinflammatory syndrome. Identifiers: Orphanet 93665, MedGen C3890737, MONDO:0019751.
Familial hemophagocytic lymphohistiocytosis 4 (FHL4). Also called: STX11-Related Familial Hemophagocytic Lymphohistiocytosis (STX11-fHLH). Identifiers: Orphanet 540, MedGen C1863728, MONDO:0011336, OMIM 603552.

Allele frequency attached by ClinVar (database versions not stated): 1000 Genomes Project 0.00260; 1000 Genomes Project 30x 0.00265; gnomAD exomes 0.00532; TOPMed 0.00543; gnomAD 0.00545 and 0.00547; ExAC 0.00562; ESP Exome Variant Server 0.00654.

Submissions (11):

CeGaT Center for Human Genetics Tuebingen
Classification: Likely benign. Last evaluated: 2026-07-01. Review status: criteria provided, single submitter. Criteria: CeGaT Center For Human Genetics Tuebingen Variant Classification Criteria Version 2. Collection method: clinical testing. Allele origin: germline. Affected: yes. Observed: 11 variant alleles.
Comment: STX11: BP4

Labcorp Genetics (formerly Invitae), Labcorp
Classification: Benign for Familial hemophagocytic lymphohistiocytosis 4. Last evaluated: 2026-02-04. Review status: criteria provided, single submitter. Criteria: Invitae Variant Classification Sherloc (09022015). Collection method: clinical testing. Allele origin: germline.

Blueprint Genetics
Classification: Likely benign. Last evaluated: 2024-11-20. Review status: criteria provided, single submitter. Criteria: ACMG Guidelines, 2015. Collection method: clinical testing. Allele origin: germline.

Mayo Clinic Laboratories, Mayo Clinic
Classification: Benign. Last evaluated: 2024-06-13. Review status: criteria provided, single submitter. Criteria: ACMG Guidelines, 2015. Collection method: clinical testing. Allele origin: germline. Observed: 3 variant alleles.
Comment: BS1, BS2

Fulgent Genetics
Classification: Likely benign for Familial hemophagocytic lymphohistiocytosis 4. Last evaluated: 2022-05-25. Review status: criteria provided, single submitter. Criteria: ACMG Guidelines, 2015. Collection method: clinical testing. Allele origin: unknown.

Women's Health and Genetics/Laboratory Corporation of America, LabCorp
Classification: Likely benign. Last evaluated: 2022-03-07. Review status: criteria provided, single submitter. Criteria: LabCorp Variant Classification Summary - May 2015. Collection method: clinical testing. Allele origin: germline.
Comment: Variant summary: STX11 c.799G>A (p.Val267Met) results in a conservative amino acid change in the encoded protein sequence. Three of five in-silico tools predict a damaging effect of the variant on protein function. The variant allele was found at a frequency of 0.0053 in 247122 control chromosomes in the gnomAD database, including 6 homozygotes. The observed variant frequency is approximately 10 fold of the estimated maximal expected allele frequency for a pathogenic variant in STX11 causing Familial Hemophagocytic Lymphohistiocytosis phenotype (0.0005), strongly suggesting that the variant is benign. Four clinical diagnostic laboratories have submitted clinical-significance assessments for this variant to ClinVar after 2014 and classified the variant as benign (n=2) and likely benign (n=2). Based on the evidence outlined above, the variant was classified as likely benign.

Genome Diagnostics Laboratory, The Hospital for Sick Children
Classification: Likely benign for Autoinflammatory syndrome. Last evaluated: 2021-08-17. Review status: criteria provided, single submitter. Criteria: ACMG Guidelines, 2015. Collection method: clinical testing. Allele origin: germline. Affected: yes.

GeneDx
Classification: Likely benign. Last evaluated: 2020-07-28. Review status: criteria provided, single submitter. Criteria: GeneDx Variant Classification Process June 2021. Collection method: clinical testing. Allele origin: germline. Affected: yes.
Comment: This variant is associated with the following publications: (PMID: 24524345, 30290665, 28399723)

Illumina Laboratory Services, Illumina
Classification: Benign for Familial hemophagocytic lymphohistiocytosis 4. Last evaluated: 2017-04-27. Review status: criteria provided, single submitter. Criteria: ICSL Variant Classification Criteria 13 December 2019. Collection method: clinical testing. Allele origin: germline.
Comment: This variant was observed as part of a predisposition screen in an ostensibly healthy population. A literature search was performed for the gene, cDNA change, and amino acid change (where applicable). Publications were found based on this search. The evidence from the literature, in combination with allele frequency data from public databases where available, was sufficient to rule this variant out of causing disease. Therefore, this variant is classified as benign.

Breakthrough Genomics
Classification: Likely benign. Review status: criteria provided, single submitter. Criteria: ACMG Guidelines, 2015. Collection method: not provided. Allele origin: germline. Inheritance: Autosomal recessive inheritance. Affected: yes.

PreventionGenetics, part of Exact Sciences
Classification: Likely benign. Review status: criteria provided, single submitter. Criteria: ACMG Guidelines, 2015. Collection method: clinical testing. Allele origin: germline.

Literature cited by the submitters: PubMed 28399723 (cited by Mayo Clinic Laboratories, Mayo Clinic); PubMed 30290665 (cited by Mayo Clinic Laboratories, Mayo Clinic); PubMed 24524345 (cited by Illumina Laboratory Services, Illumina).

NM_003764.4(STX11):c.799G>A (p.Val267Met)

Gene: STX11 (syntaxin 11; plus strand). Cytogenetic location: 6q24.2.
Variant type: single nucleotide variant.
Coding change: c.799G>A on transcript NM_003764.4 (MANE Select); coding-DNA position 799, G replaced by A.
Protein change: p.Val267Met; replaces valine 267 with methionine.
Molecular consequence: missense variant.
Genome position (GRCh38, 1-based): chr6:144,187,426, G>A. VCF-style: chr6-144187426-G-A. GRCh37 (hg19) VCF-style: chr6-144508563-G-A.
Other names: p.Val267Met; c.799G>A (LRG_113t1); short protein forms V267M.
Identifiers: ClinVar variation 259163 (VCV000259163.64), dbSNP rs45574234, ClinGen allele CA4031793.